The following is an entry in ClinVar:

ClinVar aggregate classification (germline): Pathogenic/Likely pathogenic. Review status: criteria provided, multiple submitters, no conflicts (2 of 4 stars). 4 submissions from 4 submitters: Pathogenic (2); Likely pathogenic (1). 1 of the submissions does not count toward it. Last evaluated 2021-09-01.

Conditions:
Spermatogenic failure 16 (SPGF16). Also called: ACEPHALIC SPERMATOZOA SYNDROME. Identifiers: MedGen C4310674, MONDO:0014961, OMIM 617187.

Submissions (4):

Labcorp Genetics (formerly Invitae), Labcorp
Classification: Pathogenic. Last evaluated: 2021-09-01. Review status: criteria provided, single submitter. Criteria: Invitae Variant Classification Sherloc (09022015). Collection method: clinical testing. Allele origin: germline.
Comment: This sequence change creates a premature translational stop signal (p.Val128Serfs*7) in the SUN5 gene. It is expected to result in an absent or disrupted protein product. Loss-of-function variants in SUN5 are known to be pathogenic (PMID: 27640305). This variant is present in population databases (rs781693813, ExAC 0.3%). This premature translational stop signal has been observed in individual(s) with acephalic spermatozoa (PMID: 27640305, 29331481). ClinVar contains an entry for this variant (Variation ID: 268050). For these reasons, this variant has been classified as Pathogenic.

Revvity Omics, Revvity
Classification: Likely pathogenic for Spermatogenic failure 16. Last evaluated: 2020-01-15. Review status: criteria provided, single submitter. Criteria: ACMG Guidelines, 2015. Collection method: clinical testing. Allele origin: germline.

Juno Genomics, Hangzhou Juno Genomics, Inc
Classification: Pathogenic for Spermatogenic failure 16. Review status: criteria provided, single submitter. Criteria: ACMG Guidelines, 2015. Collection method: clinical testing. Allele origin: germline. Affected: yes.
Comment: Null variant in a gene where loss of function (LOF) is a known mechanism of disease.;For recessive disorders, detected in trans with a pathogenic variant.

OMIM
Classification: Pathogenic for SPERMATOGENIC FAILURE 16. Last evaluated: 2016-11-07. Review status: no assertion criteria provided. Collection method: literature only. Allele origin: germline. Not counted in ClinVar's aggregate classification.

Literature cited by the submitters: PubMed 27640305 (cited by Labcorp Genetics (formerly Invitae), Labcorp and OMIM); PubMed 29331481 (cited by Labcorp Genetics (formerly Invitae), Labcorp).

NM_080675.4(SUN5):c.381del (p.Val128fs)

Gene: SUN5 (Sad1 and UNC84 domain containing 5; minus strand). Cytogenetic location: 20q11.21.
Variant type: Deletion.
Coding change: c.381del on transcript NM_080675.4 (MANE Select); coding-DNA position 381, one base deleted (A; older notation c.381delA).
Protein change: p.Val128fs; shifts the reading frame from valine 128.
Molecular consequence: frameshift variant.
Genome position (GRCh38, 1-based): chr20:32,997,647, T deleted on the plus strand (A on the coding strand, the reverse complement: SUN5 is on the minus strand); the first of 3 consecutive T bases (chr20:32,997,647-32,997,649); deleting any one gives the same sequence. VCF-style (leftmost placement, unchanged base first): chr20-32997646-CT-C. GRCh37 (hg19) VCF-style: chr20-31585452-CT-C.
Other names: c.381delA (NM_080675.3); short protein forms V128fs.
Identifiers: ClinVar variation 268050 (VCV000268050.11), dbSNP rs781693813, ClinGen allele CA9811882.